The following is an entry in ClinVar:

NM_031418.4(ANO3):c.2306T>C (p.Val769Ala)

Gene: ANO3 (anoctamin 3; plus strand). Cytogenetic location: 11p14.2.
Variant type: single nucleotide variant.
Coding change: c.2306T>C on transcript NM_031418.4 (MANE Select); coding-DNA position 2306, T replaced by C.
Protein change: p.Val769Ala; replaces valine 769 with alanine.
Molecular consequence: missense variant.
Genome position (GRCh38, 1-based): chr11:26,643,212, T>C. VCF-style: chr11-26643212-T-C. GRCh37 (hg19) VCF-style: chr11-26664759-T-C.
Other names: c.2489T>C, p.Val830Ala (NM_001313726.2); c.1868T>C, p.Val623Ala (NM_001313727.2); short protein forms V623A, V769A, V830A.
Identifiers: ClinVar variation 1804916 (VCV001804916.4), dbSNP rs2539007551, ClinGen allele CA379938821.
Genomic context (GRCh38, chr11:26,643,212, plus strand): 5'-TAGTAATTTCCTAATGCTCTTCTTTTGCAGTTTTGCAATTTGGTTTTACCACCATCTTTG[T>C]TGCGGCTTTTCCTCTAGCCCCTCTTTTGGCTTTGTTAAACAATATCATTGAAATCAGGCT-3'
Protein context (NP_113606.2, residues 759-779): VLQFGFTTIF[Val769Ala]AAFPLAPLLA

ClinVar aggregate classification (germline): Uncertain significance (1 of 4 stars; one submission).

Conditions:
Dystonia 24 (DYT24). Also called: DYT-ANO3. Identifiers: Orphanet 420485, MedGen C3554374, MONDO:0014019, OMIM 615034.

Submission:

Victorian Clinical Genetics Services, Murdoch Childrens Research Institute
Classification: Uncertain significance for Dystonia 24. Last evaluated: 2025-03-20. Review status: criteria provided, single submitter. Criteria: ACMG Guidelines, 2015. Collection method: clinical testing. Allele origin: germline. Affected: yes.
Comment: This variant is classified as VUS-3A. Evidence in support of pathogenic classification: Variant is absent from gnomAD (v2, v3 and v4); This variant has limited evidence for segregation with disease. Additional information: Variant is predicted to result in a missense amino acid change from valine to alanine; This variant is heterozygous; This gene is associated with autosomal dominant disease; Alternative amino acid change(s) at the same position are present in gnomAD (Highest allele count: v4: 5 heterozygote(s), 0 homozygote(s)); This variant has no previous evidence of pathogenicity; No published functional evidence has been identified for this variant; No comparable missense variants have previous evidence for pathogenicity; Variant is located in the annotated anoctamin domain (DECIPHER, NCBI); Missense variant with conflicting in silico predictions and high conservation; The mechanism of disease for this gene is not clearly established; The condition associated with this gene has incomplete penetrance (PMID: 23200863); Variants in this gene are known to have variable expressivity (PMID: 33388357).

Literature cited by the submitters: PubMed 33388357; PubMed 23200863.